The following is an entry in ClinVar:

ClinVar aggregate classification (germline): Uncertain significance (1 of 4 stars; one submission).

Submission:

Labcorp Genetics (formerly Invitae), Labcorp
Classification: Uncertain significance. Last evaluated: 2025-08-25. Review status: criteria provided, single submitter. Criteria: Invitae Variant Classification Sherloc (09022015). Collection method: clinical testing. Allele origin: germline.
Comment: This sequence change replaces asparagine, which is neutral and polar, with lysine, which is basic and polar, at codon 842 of the C3 protein (p.Asn842Lys). This variant is not present in population databases (gnomAD no frequency). This variant has not been reported in the literature in individuals affected with C3-related conditions. ClinVar contains an entry for this variant (Variation ID: 3649213). Invitae Evidence Modeling of protein sequence and biophysical properties (such as structural, functional, and spatial information, amino acid conservation, physicochemical variation, residue mobility, and thermodynamic stability) indicates that this missense variant is expected to disrupt C3 protein function with a positive predictive value of 80%. In summary, the available evidence is currently insufficient to determine the role of this variant in disease. Therefore, it has been classified as a Variant of Uncertain Significance.

NM_000064.4(C3):c.2526C>G (p.Asn842Lys)

Gene: C3 (complement C3; minus strand). Cytogenetic location: 19p13.3.
Variant type: single nucleotide variant.
Coding change: c.2526C>G on transcript NM_000064.4 (MANE Select); coding-DNA position 2526, C replaced by G.
Protein change: p.Asn842Lys; replaces asparagine 842 with lysine.
Molecular consequence: missense variant.
Genome position (GRCh38, 1-based): chr19:6,697,709, G>C on the plus strand (C>G on the coding strand, the complement: C3 is on the minus strand). VCF-style: chr19-6697709-G-C. GRCh37 (hg19) VCF-style: chr19-6697720-G-C.
Other names: short protein forms N842K.
Identifiers: ClinVar variation 3649213 (VCV003649213.2).